The following is an entry in ClinVar:

NM_000026.4(ADSL):c.40C>G (p.Arg14Gly)

Gene: ADSL (adenylosuccinate lyase; plus strand). Cytogenetic location: 22q13.1.
Variant type: single nucleotide variant.
Coding change: c.40C>G on transcript NM_000026.4 (MANE Select); coding-DNA position 40, C replaced by G.
Protein change: p.Arg14Gly; replaces arginine 14 with glycine.
Molecular consequence: missense variant. On other transcripts: 5 prime UTR variant (1), non-coding transcript variant (1).
Genome position (GRCh38, 1-based): chr22:40,346,598, C>G. VCF-style: chr22-40346598-C-G. GRCh37 (hg19) VCF-style: chr22-40742602-C-G.
Other names: c.40C>G, p.Arg14Gly (NM_001123378.3, NM_001363840.3, NM_001410812.1 and 2 more transcripts); c.-98C>G (NM_001317923.2); short protein forms R14G.
Identifiers: ClinVar variation 4799665 (VCV004799665.1).

ClinVar aggregate classification (germline): Uncertain significance (1 of 4 stars; one submission).

Conditions:
Adenylosuccinate lyase deficiency (ADSLD). Also called: ADSL DEFICIENCY. Identifiers: Orphanet 46, MedGen C0268126, MONDO:0007068, OMIM 103050.

Submission:

Labcorp Genetics (formerly Invitae), Labcorp
Classification: Uncertain significance for Adenylosuccinate lyase deficiency. Last evaluated: 2026-01-28. Review status: criteria provided, single submitter. Criteria: Invitae Variant Classification Sherloc (09022015). Collection method: clinical testing. Allele origin: germline.
Comment: This sequence change replaces arginine, which is basic and polar, with glycine, which is neutral and non-polar, at codon 14 of the ADSL protein (p.Arg14Gly). This variant is not present in population databases (gnomAD no frequency). This variant has not been reported in the literature in individuals affected with ADSL-related conditions. Invitae Evidence Modeling of protein sequence and biophysical properties (such as structural, functional, and spatial information, amino acid conservation, physicochemical variation, residue mobility, and thermodynamic stability) indicates that this missense variant is not expected to disrupt ADSL protein function with a negative predictive value of 95%. In summary, the available evidence is currently insufficient to determine the role of this variant in disease. Therefore, it has been classified as a Variant of Uncertain Significance.